The following is an entry in ClinVar:

NM_004281.4(BAG3):c.994C>T (p.Leu332Phe)

Gene: BAG3 (BAG cochaperone 3; plus strand). Cytogenetic location: 10q26.11.
Variant type: single nucleotide variant.
Coding change: c.994C>T on transcript NM_004281.4 (MANE Select); coding-DNA position 994, C replaced by T.
Protein change: p.Leu332Phe; replaces leucine 332 with phenylalanine.
Molecular consequence: missense variant.
Genome position (GRCh38, 1-based): chr10:119,676,548, C>T. VCF-style: chr10-119676548-C-T. GRCh37 (hg19) VCF-style: chr10-121436060-C-T.
Other names: short protein forms L332F.
Identifiers: ClinVar variation 2024883 (VCV002024883.4), dbSNP rs778032274, ClinGen allele CA378296420.

ClinVar aggregate classification (germline): Uncertain significance (1 of 4 stars; one submission).

Conditions:
Myofibrillar myopathy 6. Identifiers: Orphanet 199340, MedGen C2751831, MONDO:0013061, OMIM 612954.
Dilated cardiomyopathy 1HH (CMD1HH). Identifiers: Orphanet 154, MedGen C3151293, MONDO:0013479, OMIM 613881.

Submission:

Labcorp Genetics (formerly Invitae), Labcorp
Classification: Uncertain significance for Dilated cardiomyopathy 1HH; Myofibrillar myopathy 6. Last evaluated: 2021-12-02. Review status: criteria provided, single submitter. Criteria: Invitae Variant Classification Sherloc (09022015). Collection method: clinical testing. Allele origin: germline.
Comment: This sequence change replaces leucine, which is neutral and non-polar, with phenylalanine, which is neutral and non-polar, at codon 332 of the BAG3 protein (p.Leu332Phe). This variant is not present in population databases (gnomAD no frequency). This variant has not been reported in the literature in individuals affected with BAG3-related conditions. Algorithms developed to predict the effect of missense changes on protein structure and function are either unavailable or do not agree on the potential impact of this missense change (SIFT: "Tolerated"; PolyPhen-2: "Probably Damaging"; Align-GVGD: "Class C0"). In summary, the available evidence is currently insufficient to determine the role of this variant in disease. Therefore, it has been classified as a Variant of Uncertain Significance.